The following is an entry in ClinVar:

NM_014491.4(FOXP2):c.89G>A (p.Gly30Asp)

Gene: FOXP2 (forkhead box P2; plus strand). Cytogenetic location: 7q31.1.
Variant type: single nucleotide variant.
Coding change: c.89G>A on transcript NM_014491.4 (MANE Select); coding-DNA position 89, G replaced by A.
Protein change: p.Gly30Asp; replaces glycine 30 with aspartic acid.
Molecular consequence: missense variant. On other transcripts: non-coding transcript variant (2).
Genome position (GRCh38, 1-based): chr7:114,426,600, G>A. VCF-style: chr7-114426600-G-A. GRCh37 (hg19) VCF-style: chr7-114066655-G-A.
Other names: c.89G>A, p.Gly30Asp (NM_001172766.3, NM_001172767.2, NM_148898.4 and 2 more transcripts); c.-1445G>A (NM_001172777.1); short protein forms G30D.
Identifiers: ClinVar variation 1765412 (VCV001765412.2), dbSNP rs2485609220, ClinGen allele CA369105680.
Genomic context (GRCh38, chr7:114,426,600, plus strand): 5'-TAAGCAACAGTTCAATGAATCAAAATGGAATGAGCACTCTAAGCAGCCAATTAGATGCTG[G>A]CAGCAGAGATGGAAGATCAAGTGGTGACACCAGCTCTGAAGTAAGCACAGTAGAACTGCT-3'
Protein context (NP_055306.1, residues 20-40): MSTLSSQLDA[Gly30Asp]SRDGRSSGDT

ClinVar aggregate classification (germline): Uncertain significance (1 of 4 stars; one submission).

Conditions:
Inborn genetic diseases. Identifiers: MedGen C0950123, MeSH D030342.

Submission:

Ambry Genetics
Classification: Uncertain significance for Inborn genetic diseases. Last evaluated: 2018-11-07. Review status: criteria provided, single submitter. Criteria: Ambry Variant Classification Scheme 2023. Collection method: clinical testing. Allele origin: germline.
Comment: The p.G30D variant (also known as c.89G>A), located in coding exon 1 of the FOXP2 gene, results from a G to A substitution at nucleotide position 89. The glycine at codon 30 is replaced by aspartic acid, an amino acid with similar properties. This amino acid position is highly conserved in available vertebrate species. In addition, this alteration is predicted to be deleterious by in silico analysis. Since supporting evidence is limited at this time, the clinical significance of this alteration remains unclear.